The following is an entry in ClinVar:

NM_019066.5(MAGEL2):c.3181_3182del (p.Ile1061fs)

Gene: MAGEL2 (MAGE family member L2; minus strand). Cytogenetic location: 15q11.2.
Variant type: Microsatellite.
Coding change: c.3181_3182del on transcript NM_019066.5 (MANE Select); coding-DNA positions 3181 to 3182, 2 bases deleted (AT; older notation c.3181_3182delAT).
Protein change: p.Ile1061fs; shifts the reading frame from isoleucine 1061.
Molecular consequence: frameshift variant.
Genome position (GRCh38, 1-based): chr15:23,644,561-23,644,562, AT deleted on the plus strand (AT on the coding strand, the reverse complement: MAGEL2 is on the minus strand); deleting any 2 consecutive bases within chr15:23,644,561-23,644,564 gives the same sequence; the c. name uses the placement nearest the transcript's 3' end. VCF-style (leftmost placement, unchanged base first): chr15-23644560-GAT-G. GRCh37 (hg19) VCF-style: chr15-23889707-GAT-G.
Other names: MAGEL2, 2-BP DEL, 3181AT; short protein forms I1061fs.
Identifiers: ClinVar variation 89002 (VCV000089002.3), dbSNP rs398122417, ClinGen allele CA145418.
Genomic context (GRCh38, chr15:23,644,560, plus strand): 5'-ATCAATTTCTTTCAATTGATAACCAAAGGCACACTCCAGCTTATTGTTGGCACGGTTGAT[GAT>G]ATCTAAGCACTCATCTTTATACTCTCGGAGGATGACTTTCACCATCTCCGAGCGCTGGAC-3'

ClinVar aggregate classification (germline): Pathogenic. Review status: criteria provided, single submitter (1 of 4 stars). 2 submissions from 2 submitters: Pathogenic (1). 1 of the submissions does not count toward it. Last evaluated 2017-09-01.

Conditions:
Schaaf-Yang syndrome (SHFYNG). Also called: MAGEL2-related Prader-Willi-like syndrome; Arthrogryposis, distal, with hypopituitarism, intellectual disability, and facial anomalies. Identifiers: Orphanet 398069, MedGen C5575066, MONDO:0014243, OMIM 615547.

Submissions (2):

Baylor Genetics
Classification: Pathogenic for Schaaf-Yang syndrome. Last evaluated: 2017-09-01. Review status: criteria provided, single submitter. Criteria: ACMG Guidelines, 2015. Collection method: clinical testing. Allele origin: de novo. Inheritance: Autosomal dominant inheritance. Affected: yes.

OMIM
Classification: Pathogenic for SCHAAF-YANG SYNDROME. Last evaluated: 2013-11-01. Review status: no assertion criteria provided. Collection method: literature only. Allele origin: germline. Not counted in ClinVar's aggregate classification.

Literature cited by the submitters: PubMed 24076603 (cited by Baylor Genetics and OMIM); PubMed 25326635 (cited by Baylor Genetics).